The following is an entry in ClinVar:

ClinVar aggregate classification (germline): Uncertain significance (1 of 4 stars; one submission).

Conditions:
Hereditary cancer-predisposing syndrome. Also called: Neoplastic Syndromes, Hereditary; Tumor predisposition; Hereditary Cancer Syndrome; Hereditary neoplastic syndrome. Identifiers: Orphanet 140162, MedGen C0027672, MeSH D009386, MONDO:0015356.

Submission:

Ambry Genetics
Classification: Uncertain significance for Hereditary cancer-predisposing syndrome. Last evaluated: 2021-01-22. Review status: criteria provided, single submitter. Criteria: Ambry Variant Classification Scheme 2023. Collection method: clinical testing. Allele origin: germline.
Comment: The c.3334_3336delCCT variant is located in coding exon 22 of the ATM gene. This variant results from an in-frame CCT deletion at nucleotide positions 3334 to 3336. This nucleotide position is highly conserved in available vertebrate species. In addition, the in silico prediction for this alteration is inconclusive (Choi Y et al. PLoS ONE. 2012; 7(10):e46688). Since supporting evidence is limited at this time, the clinical significance of this alteration remains unclear.

NM_000051.4(ATM):c.3334_3336del (p.Pro1112del)

Gene: ATM (ATM serine/threonine kinase; plus strand). Cytogenetic location: 11q22.3.
Variant type: Deletion.
Coding change: c.3334_3336del on transcript NM_000051.4 (MANE Select); coding-DNA positions 3334 to 3336, 3 bases deleted (CCT; older notation c.3334_3336delCCT).
Protein change: p.Pro1112del; deletes proline 1112.
Molecular consequence: inframe deletion.
Genome position (GRCh38, 1-based): chr11:108,279,540-108,279,542, CCT deleted; deleting any 3 consecutive bases within chr11:108,279,539-108,279,542 gives the same sequence; the c. name uses the placement nearest the transcript's 3' end. VCF-style (leftmost placement, unchanged base first): chr11-108279538-TTCC-T. GRCh37 (hg19) VCF-style: chr11-108150265-TTCC-T.
Other names: c.3334_3336del, p.Pro1112del (NM_001351834.2); short protein forms P1112del.
Identifiers: ClinVar variation 1730334 (VCV001730334.2), dbSNP rs2546862189, ClinGen allele CA2580082971.
Genomic context (GRCh38, chr11:108,279,538, plus strand): 5'-TGCTTGTTTTAAGATTGTTCCAGGACACGAAGGGAGATTCTTCCAGGTTACTGAAAGCAC[TTCC>T]TTTGAAGCTTCAGCAAACAGCTTTTGAAAATGCATACTTGAAAGCTCAGGAAGGAATGAG-3'